The following is an entry in ClinVar:

NM_014714.4(IFT140):c.1041_1042del (p.Val348fs)

Genes: IFT140 (intraflagellar transport 140; minus strand), LOC105371046 (uncharacterized LOC105371046; plus strand). Cytogenetic location: 16p13.3.
Variant type: Deletion.
Coding change: c.1041_1042del on transcript NM_014714.4 (MANE Select); coding-DNA positions 1041 to 1042, 2 bases deleted (AG; older notation c.1041_1042delAG).
Protein change: p.Val348fs; shifts the reading frame from valine 348.
Molecular consequence: frameshift variant.
Genome position (GRCh38, 1-based): chr16:1,586,243-1,586,244, CT deleted on the plus strand (AG on the coding strand, the reverse complement: IFT140 is on the minus strand); deleting any 2 consecutive bases within chr16:1,586,243-1,586,245 gives the same sequence; the c. name uses the placement nearest the transcript's 3' end. VCF-style (leftmost placement, unchanged base first): chr16-1586242-ACT-A. GRCh37 (hg19) VCF-style: chr16-1636243-ACT-A.
Other names: c.1041_1042delAG (NM_014714.3); short protein forms V348fs.
Identifiers: ClinVar variation 3068419 (VCV003068419.2), dbSNP rs2507835305, ClinGen allele CA2825002332.

ClinVar aggregate classification (germline): Pathogenic/Likely pathogenic. Review status: criteria provided, multiple submitters, no conflicts (2 of 4 stars). 2 submissions from 2 submitters: Pathogenic (1); Likely pathogenic (1). Last evaluated 2026-05-22.

Conditions:
IFT140-related disorder. Also called: IFT140-related condition.
Retinitis pigmentosa 80 (RP80). Identifiers: MedGen C4540439, MONDO:0054708, OMIM 617781.

Submissions (2):

PreventionGenetics, part of Exact Sciences
Classification: Pathogenic for IFT140-related condition. Last evaluated: 2026-05-22. Review status: criteria provided, single submitter. Criteria: ACMG Guidelines, 2015. Collection method: clinical testing. Allele origin: germline.
Comment: The IFT140 c.1041_1042delAG variant is predicted to result in a frameshift and premature protein termination (p.Val348Serfs*135). To our knowledge, this variant has not been reported in the literature or in a large population database (gnomAD), indicating this variant is rare. Frameshift variants in IFT140 are expected to be pathogenic. Since loss-of-function is the disease causing mechanism for both autosomal dominant and recessive IFT140-related disorders, this variant is interpreted as pathogenic for both autosomal dominant and recessive IFT140-related disorders.

MVZ Medizinische Genetik Mainz
Classification: Likely pathogenic for Retinitis pigmentosa 80. Last evaluated: 2024-01-08. Review status: criteria provided, single submitter. Criteria: UK Practice Guidelines For Variant Classification V4 01 2020. Collection method: clinical testing. Allele origin: germline. Inheritance: Autosomal dominant inheritance. Affected: yes. Observed: 1 variant allele.
Comment: ACMG Criteria: PVS1,PM2_SUP